The following is an entry in ClinVar:

ClinVar aggregate classification (germline): Uncertain significance (1 of 4 stars; one submission).

Allele frequency attached by ClinVar (database versions not stated): gnomAD exomes below 0.00001.
gnomAD v4.1: 2 of 1,612,450 alleles (0.00012%); highest among the groups gnomAD compares: Non-Finnish European, 0.00017%; no homozygotes.

Submission:

Labcorp Genetics (formerly Invitae), Labcorp
Classification: Uncertain significance. Last evaluated: 2024-11-11. Review status: criteria provided, single submitter. Criteria: Invitae Variant Classification Sherloc (09022015). Collection method: clinical testing. Allele origin: germline.
Comment: This sequence change replaces leucine, which is neutral and non-polar, with proline, which is neutral and non-polar, at codon 710 of the CLCN6 protein (p.Leu710Pro). This variant is not present in population databases (gnomAD no frequency). This variant has not been reported in the literature in individuals affected with CLCN6-related conditions. ClinVar contains an entry for this variant (Variation ID: 2864639). An algorithm developed to predict the effect of missense changes on protein structure and function (PolyPhen-2) suggests that this variant is likely to be disruptive. In summary, the available evidence is currently insufficient to determine the role of this variant in disease. Therefore, it has been classified as a Variant of Uncertain Significance.

NM_001286.5(CLCN6):c.2129T>C (p.Leu710Pro)

Gene: CLCN6 (chloride voltage-gated channel 6; plus strand). Cytogenetic location: 1p36.22.
Variant type: single nucleotide variant.
Coding change: c.2129T>C on transcript NM_001286.5 (MANE Select); coding-DNA position 2129, T replaced by C.
Protein change: p.Leu710Pro; replaces leucine 710 with proline.
Molecular consequence: missense variant. On other transcripts: non-coding transcript variant (1).
Genome position (GRCh38, 1-based): chr1:11,837,147, T>C. VCF-style: chr1-11837147-T-C. GRCh37 (hg19) VCF-style: chr1-11897204-T-C.
Other names: c.2063T>C, p.Leu688Pro (NM_001256959.2); short protein forms L710P, L688P.
Identifiers: ClinVar variation 2864639 (VCV002864639.3), dbSNP rs2523170478, ClinGen allele CA338440223.
Genomic context (GRCh38, chr1:11,837,147, plus strand): 5'-GTGATGAGCACATCGCCTCTGAGGAGCCAGCCGAGAAGGAGGACCTCCTGCAGCAGATGC[T>C]GGAAAGGAGGTGAGAGCCTGGCGGGGCCCCCACTGCCCGCAGGGCTACACAGCGGTGGGG-3'
Protein context (NP_001277.2, residues 700-720): AEKEDLLQQM[Leu710Pro]ERRYTPYPNL